The following is an entry in ClinVar:

NM_016239.4(MYO15A):c.4032+45G>A

Gene: MYO15A (myosin XVA; plus strand). Cytogenetic location: 17p11.2.
Variant type: single nucleotide variant.
Coding change: c.4032+45G>A on transcript NM_016239.4 (MANE Select); 45 bases into the intron after coding-DNA position 4032, G replaced by A.
Molecular consequence: intron variant.
Genome position (GRCh38, 1-based): chr17:18,127,210, G>A. VCF-style: chr17-18127210-G-A. GRCh37 (hg19) VCF-style: chr17-18030524-G-A.
Identifiers: ClinVar variation 682533 (VCV000682533.2), dbSNP rs854793, ClinGen allele CA8423701.

ClinVar aggregate classification (germline): Benign. Review status: criteria provided, multiple submitters, no conflicts (2 of 4 stars). 2 submissions from 2 submitters: Benign (2). Last evaluated 2018-06-16.

Allele frequency attached by ClinVar (database versions not stated): gnomAD exomes 0.25923 and 0.29769; ESP Exome Variant Server 0.28022; gnomAD 0.29477 and 0.30003; TOPMed 0.30183; ExAC 0.30452; 1000 Genomes Project 30x 0.37336; 1000 Genomes Project 0.37540.
gnomAD v4.1: 422,278 of 1,602,060 alleles (26%); highest among the groups gnomAD compares: South Asian, 49%; 60,439 homozygotes.

Submissions (2):

GeneDx
Classification: Benign. Last evaluated: 2018-06-16. Review status: criteria provided, single submitter. Criteria: GeneDx Variant Classification (06012015). Collection method: clinical testing. Allele origin: germline. Affected: yes.
Comment: This variant is considered likely benign or benign based on one or more of the following criteria: it is a conservative change, it occurs at a poorly conserved position in the protein, it is predicted to be benign by multiple in silico algorithms, and/or has population frequency not consistent with disease.

Breakthrough Genomics
Classification: Benign. Review status: criteria provided, single submitter. Criteria: ACMG Guidelines, 2015. Collection method: not provided. Allele origin: germline. Inheritance: Autosomal recessive inheritance. Affected: yes.